The following is an entry in ClinVar:

NM_006267.5(RANBP2):c.8369T>A (p.Phe2790Tyr)

Gene: RANBP2 (RAN binding protein 2; plus strand). Cytogenetic location: 2q13.
Variant type: single nucleotide variant.
Coding change: c.8369T>A on transcript NM_006267.5 (MANE Select); coding-DNA position 8369, T replaced by A.
Protein change: p.Phe2790Tyr; replaces phenylalanine 2790 with tyrosine.
Molecular consequence: missense variant.
Genome position (GRCh38, 1-based): chr2:108,775,808, T>A. VCF-style: chr2-108775808-T-A. GRCh37 (hg19) VCF-style: chr2-109392264-T-A.
Other names: short protein forms F2790Y.
Identifiers: ClinVar variation 1052655 (VCV001052655.8), dbSNP rs142150663, ClinGen allele CA53462293.
Genomic context (GRCh38, chr2:108,775,808, plus strand): 5'-AAATAACTAGCACAACTGACAGTGTATATACAGGTGGGACTGAAGTGATGGTACCTTCTT[T>A]CTGTAAATCTGAAGAACCTGATTCTATTACCAAATCCATTAGTTCACCATCTGTTTCCTC-3'
Protein context (NP_006258.3, residues 2780-2800): TGGTEVMVPS[Phe2790Tyr]CKSEEPDSIT

ClinVar aggregate classification (germline): Uncertain significance. Review status: criteria provided, multiple submitters, no conflicts (2 of 4 stars). 2 submissions from 2 submitters: Uncertain significance (2). Last evaluated 2022-03-25.

Conditions:
Familial acute necrotizing encephalopathy (IIAE3). Also called: ENCEPHALOPATHY, ACUTE, INFECTION-INDUCED, SUSCEPTIBILITY TO, 3; Susceptibility to Acute Necrotizing Encephalopathy 1. Identifiers: Orphanet 88619, MedGen C2675556, MONDO:0011953, OMIM 608033.

Allele frequency attached by ClinVar (database versions not stated): gnomAD exomes 0.00002; gnomAD 0.00003; ESP Exome Variant Server 0.00008.
gnomAD v4.1: 35 of 1,613,780 alleles (0.0022%); highest among the groups gnomAD compares: Non-Finnish European, 0.003%; no homozygotes.

Submissions (2):

Fulgent Genetics
Classification: Uncertain significance for Familial acute necrotizing encephalopathy. Last evaluated: 2022-03-25. Review status: criteria provided, single submitter. Criteria: ACMG Guidelines, 2015. Collection method: clinical testing. Allele origin: unknown.

Labcorp Genetics (formerly Invitae), Labcorp
Classification: Uncertain significance for Familial acute necrotizing encephalopathy. Last evaluated: 2021-09-02. Review status: criteria provided, single submitter. Criteria: Invitae Variant Classification Sherloc (09022015). Collection method: clinical testing. Allele origin: germline.
Comment: This sequence change replaces phenylalanine with tyrosine at codon 2790 of the RANBP2 protein (p.Phe2790Tyr). The phenylalanine residue is weakly conserved and there is a small physicochemical difference between phenylalanine and tyrosine. This variant is not present in population databases (ExAC no frequency). This variant has not been reported in the literature in individuals affected with RANBP2-related conditions. Algorithms developed to predict the effect of missense changes on protein structure and function (SIFT, PolyPhen-2, Align-GVGD) all suggest that this variant is likely to be tolerated. In summary, the available evidence is currently insufficient to determine the role of this variant in disease. Therefore, it has been classified as a Variant of Uncertain Significance.